The following is an entry in ClinVar:

NM_001267550.2(TTN):c.89552C>A (p.Ala29851Asp)

Genes: TTN (titin; minus strand), TTN-AS1 (TTN antisense RNA 1; plus strand). Cytogenetic location: 2q31.2.
Variant type: single nucleotide variant.
Coding change: c.89552C>A on transcript NM_001267550.2 (MANE Select); coding-DNA position 89552, C replaced by A.
Protein change: p.Ala29851Asp; replaces alanine 29851 with aspartic acid.
Molecular consequence: missense variant.
Genome position (GRCh38, 1-based): chr2:178,553,348, G>T on the plus strand (C>A on the coding strand, the complement: TTN is on the minus strand). VCF-style: chr2-178553348-G-T. GRCh37 (hg19) VCF-style: chr2-179418075-G-T.
Other names: p.Ala28210Asp; c.84629C>A, p.Ala28210Asp (NM_001256850.1); c.62357C>A, p.Ala20786Asp (NM_003319.4); c.81848C>A, p.Ala27283Asp (NM_133378.4); c.62732C>A, p.Ala20911Asp (NM_133432.3); c.62933C>A, p.Ala20978Asp (NM_133437.4); short protein forms A20786D, A29851D, A27283D, A20911D, A20978D, A28210D.
Identifiers: ClinVar variation 518578 (VCV000518578.12), dbSNP rs774885355, ClinGen allele CA1987895.
Genomic context (GRCh38, chr2:178,553,348, plus strand): 5'-ACAGTAGGTGGAGGTCTGCCTTTAAAGGGAATCAACACTTGTACATCTTCACCAGCTTTG[G>T]CAATAACAGAAGTTCTGAGAGCCACATCCAGGTCAATCTCTGGTGCCTCTGTAGACATAA-3'
Protein context (NP_001254479.2, residues 29841-29861): LDVALRTSVI[Ala29851Asp]KAGEDVQVLI

ClinVar aggregate classification (germline): Conflicting classifications of pathogenicity. Review status: criteria provided, conflicting classifications (1 of 4 stars). 5 submissions from 5 submitters: Uncertain significance (4); Likely benign (1). Last evaluated 2024-06-24.

Conditions:
TTN-related disorder. Also called: TTN-related disorders; TTN-related condition; TTN-related disease.
Cardiovascular phenotype. Identifiers: MedGen CN230736.
Autosomal recessive limb-girdle muscular dystrophy type 2J (LGMDR10). Also called: MUSCULAR DYSTROPHY, LIMB-GIRDLE, AUTOSOMAL RECESSIVE 10; Limb-girdle muscular dystrophy, type 2J. Identifiers: Orphanet 140922, MedGen C1837342, MONDO:0012127, OMIM 608807.
Hypertrophic cardiomyopathy 9. Also called: Familial hypertrophic cardiomyopathy 9. Identifiers: MedGen C1861065, MONDO:0013412, OMIM 613765.
Tibial muscular dystrophy (TMD). Also called: Udd Distal Myopathy – Tibial Muscular Dystrophy; Tibial muscular dystrophy, tardive; UDD MYOPATHY. Identifiers: Orphanet 609, MedGen C1838244, MONDO:0010870, OMIM 600334.
Dilated cardiomyopathy 1G (CMD1G). Identifiers: Orphanet 154, MedGen C1858763, MONDO:0011400, OMIM 604145.
Early-onset myopathy with fatal cardiomyopathy (CMYO5). Also called: Salih Myopathy; CONGENITAL MYOPATHY 5 WITH CARDIOMYOPATHY. Identifiers: Orphanet 289377, MedGen C2673677, MONDO:0012714, OMIM 611705. Disease mechanism: loss of function.
Myopathy, myofibrillar, 9, with early respiratory failure (MFM9). Also called: MYOPATHY, PROXIMAL, WITH EARLY RESPIRATORY MUSCLE INVOLVEMENT; Myopathy, distal, with early respiratory failure, autosomal dominant; Hereditary myopathy with early respiratory failure; EDSTROM MYOPATHY. Identifiers: Orphanet 178464, Orphanet 34521, MedGen C1863599, MONDO:0011362, OMIM 603689.

Allele frequency attached by ClinVar (database versions not stated): ExAC 0.00001; gnomAD 0.00001; gnomAD exomes 0.00001.
gnomAD v4.1: 14 of 1,601,296 alleles (0.00087%); highest among the groups gnomAD compares: South Asian, 0.0099%; no homozygotes.

Submissions (5):

Revvity Omics, Revvity
Classification: Uncertain significance. Last evaluated: 2024-06-24. Review status: criteria provided, single submitter. Criteria: ACMG Guidelines, 2015. Collection method: clinical testing. Allele origin: germline.

PreventionGenetics, part of Exact Sciences
Classification: Uncertain significance for TTN-related condition. Last evaluated: 2023-05-03. Review status: criteria provided, single submitter. Criteria: ACMG Guidelines, 2015. Collection method: clinical testing. Allele origin: germline.
Comment: The TTN c.89552C>A variant is predicted to result in the amino acid substitution p.Ala29851Asp. To our knowledge, this variant has not been reported in the literature. This variant is reported in 0.0066% of alleles in individuals of South Asian descent in gnomAD. At this time, the clinical significance of this variant is uncertain due to the absence of conclusive functional and genetic evidence.

Mayo Clinic Laboratories, Mayo Clinic
Classification: Uncertain significance. Last evaluated: 2021-06-30. Review status: criteria provided, single submitter. Criteria: ACMG Guidelines, 2015. Collection method: clinical testing. Allele origin: germline.

Ambry Genetics
Classification: Likely benign for Cardiovascular phenotype. Last evaluated: 2020-08-25. Review status: criteria provided, single submitter. Criteria: Ambry Variant Classification Scheme 2023. Collection method: clinical testing. Allele origin: germline.

Fulgent Genetics
Classification: Uncertain significance for Tibial muscular dystrophy; Myopathy, myofibrillar, 9, with early respiratory failure; Dilated cardiomyopathy 1G; Autosomal recessive limb-girdle muscular dystrophy type 2J; Early-onset myopathy with fatal cardiomyopathy; Hypertrophic cardiomyopathy 9. Last evaluated: 2018-10-31. Review status: criteria provided, single submitter. Criteria: ACMG Guidelines, 2015. Collection method: clinical testing. Allele origin: unknown.